The following is an entry in ClinVar:

ClinVar aggregate classification (germline): Uncertain significance. Review status: criteria provided, multiple submitters, no conflicts (2 of 4 stars). 2 submissions from 2 submitters: Uncertain significance (2). Last evaluated 2026-01-15.

Conditions:
PPOX-related disorder. Also called: PPOX-related condition.

Allele frequency attached by ClinVar (database versions not stated): ExAC 0.00001; gnomAD exomes 0.00005; gnomAD 0.00007; ESP Exome Variant Server 0.00008; TOPMed 0.00008.
gnomAD v4.1: 97 of 1,612,362 alleles (0.006%); highest among the groups gnomAD compares: Admixed American, 0.025%; no homozygotes.

Submissions (2):

PreventionGenetics, part of Exact Sciences
Classification: Uncertain significance for PPOX-related condition. Last evaluated: 2026-01-15. Review status: criteria provided, single submitter. Criteria: ACMG Guidelines, 2015. Collection method: clinical testing. Allele origin: germline.
Comment: The PPOX c.322C>G variant is predicted to result in the amino acid substitution p.Leu108Val. To our knowledge, this variant has not been reported in the literature. This variant is reported in 0.020% of alleles in individuals of Latino descent in gnomAD. At this time, the clinical significance of this variant is uncertain due to the absence of conclusive functional and genetic evidence.

Labcorp Genetics (formerly Invitae), Labcorp
Classification: Uncertain significance. Last evaluated: 2020-06-16. Review status: criteria provided, single submitter. Criteria: Invitae Variant Classification Sherloc (09022015). Collection method: clinical testing. Allele origin: germline.
Comment: This sequence change replaces leucine with valine at codon 108 of the PPOX protein (p.Leu108Val). The leucine residue is moderately conserved and there is a small physicochemical difference between leucine and valine. This variant is present in population databases (rs144335388, ExAC 0.009%). This variant has been observed in individual(s) with acute hepatic porphyria (Invitae). Algorithms developed to predict the effect of missense changes on protein structure and function are either unavailable or do not agree on the potential impact of this missense change (SIFT: "Tolerated"; PolyPhen-2: "Probably Damaging"; Align-GVGD: "Class C0"). In summary, the available evidence is currently insufficient to determine the role of this variant in disease. Therefore, it has been classified as a Variant of Uncertain Significance.

NM_001122764.3(PPOX):c.322C>G (p.Leu108Val)

Gene: PPOX (protoporphyrinogen oxidase; plus strand). Cytogenetic location: 1q23.3.
Variant type: single nucleotide variant.
Coding change: c.322C>G on transcript NM_001122764.3 (MANE Select); coding-DNA position 322, C replaced by G.
Protein change: p.Leu108Val; replaces leucine 108 with valine.
Molecular consequence: missense variant. On other transcripts: 5 prime UTR variant (3), intron variant (2).
Genome position (GRCh38, 1-based): chr1:161,167,470, C>G. VCF-style: chr1-161167470-C-G. GRCh37 (hg19) VCF-style: chr1-161137260-C-G.
Other names: c.322C>G (NM_000309.3); c.322C>G, p.Leu108Val (NM_000309.5, NM_001365398.1, NM_001365399.1); c.337C>G, p.Leu113Val (NM_001350128.2); c.-106C>G (NM_001350129.2); c.-165C>G (NM_001350130.2); c.-51C>G (NM_001350131.2); c.-90+236C>G (NM_001365400.1); c.-149+236C>G (NM_001365401.1); short protein forms L108V, L113V.
Identifiers: ClinVar variation 2151517 (VCV002151517.2), dbSNP rs144335388, ClinGen allele CA1207104.
Genomic context (GRCh38, chr1:161,167,470, plus strand): 5'-CGGGGAGACCACCCAGCTGCCCAGAACAGGTTCCTCTACGTGGGCGGTGCCCTGCATGCC[C>G]TACCCACTGGCCTCAGGTAACACCAGCACCTCCGCTCCTTTTACTGTGCCCTCATCCTCA-3'
Protein context (NP_001116236.1, residues 98-118): FLYVGGALHA[Leu108Val]PTGLRGLLRP